The following is an entry in ClinVar:

NM_000528.4(MAN2B1):c.2758del (p.Gln920fs)

Gene: MAN2B1 (mannosidase alpha class 2B member 1; minus strand). Cytogenetic location: 19p13.13.
Variant type: Deletion.
Coding change: c.2758del on transcript NM_000528.4 (MANE Select); coding-DNA position 2758, one base deleted (C; older notation c.2758delC).
Protein change: p.Gln920fs; shifts the reading frame from glutamine 920.
Molecular consequence: frameshift variant.
Genome position (GRCh38, 1-based): chr19:12,647,505, G deleted on the plus strand (C on the coding strand, the reverse complement: MAN2B1 is on the minus strand); the first of 2 consecutive G bases (chr19:12,647,505-12,647,506); deleting either gives the same sequence. VCF-style (leftmost placement, unchanged base first): chr19-12647504-TG-T. GRCh37 (hg19) VCF-style: chr19-12758318-TG-T.
Other names: c.2755del, p.Gln919fs (NM_001173498.2); c.2761del, p.Gln921fs (NM_001440570.1); short protein forms Q919fs, Q920fs, Q921fs.
Identifiers: ClinVar variation 4814314 (VCV004814314.1).

ClinVar aggregate classification (germline): Likely pathogenic (1 of 4 stars; one submission).

Conditions:
Deficiency of alpha-mannosidase (MANSA). Also called: Alpha-Mannosidosis; Mannosidosis, alpha-, types I and II; LYSOSOMAL ALPHA-D-MANNOSIDASE DEFICIENCY. Identifiers: Orphanet 61, MedGen C0024748, MONDO:0009561, OMIM 248500.

Submission:

Natera, Inc.
Classification: Likely pathogenic for Alpha-mannosidosis. Last evaluated: 2025-08-07. Review status: criteria provided, single submitter. Criteria: Natera Variant Classification Schema (03/2026). Collection method: clinical testing. Allele origin: germline.
Comment: The c.2758del variant in MAN2B1 is a frameshift variant predicted to shift the reading frame beginning at codon 920 and leads to a stop codon 4 codons downstream. This variant is expected to result in nonsense mediated decay, truncation, or a dysfunctional protein product. This variant is rare in the general population with a frequency below the threshold expected for the associated phenotype(s). Given the available evidence, this variant is classified as Likely Pathogenic.